The following is an entry in ClinVar:

ClinVar aggregate classification (germline): Conflicting classifications of pathogenicity. Review status: criteria provided, conflicting classifications (1 of 4 stars). 6 submissions from 6 submitters: Pathogenic (2); Likely pathogenic (3); Uncertain significance (1). Last evaluated 2026-09-30.

Conditions:
Corticosterone 18-monooxygenase deficiency. Also called: ALDOSTERONE DEFICIENCY DUE TO DEFECT IN STEROID 18-HYDROXYLASE; ALDOSTERONE DEFICIENCY I; CMO I DEFICIENCY; STEROID 18-HYDROXYLASE DEFICIENCY; 18 Hydroxylase deficiency; Aldosterone deficiency due to defect in 18 hydroxylase. Identifiers: Orphanet 427, MedGen C0268293, MONDO:0008751, OMIM 203400. Disease mechanism: loss of function.
Corticosterone methyloxidase type 2 deficiency. Also called: 18-OXIDASE DEFICIENCY; ALDOSTERONE DEFICIENCY DUE TO DEFICIENCY OF STEROID 18-OXIDASE; ALDOSTERONE DEFICIENCY II; CMO II DEFICIENCY; STEROID 18-OXIDASE DEFICIENCY. Identifiers: Orphanet 427, MedGen C3463917, MONDO:0012524, OMIM 610600. Disease mechanism: loss of function.
CYP11B2-related condition.
CYP11B2-related disorders.
CYP11B2-related disorder.

Allele frequency attached by ClinVar (database versions not stated): gnomAD exomes 0.00003; ExAC 0.00004; gnomAD 0.00002; TOPMed 0.00002.
gnomAD v4.1: 50 of 1,613,966 alleles (0.0031%); highest among the groups gnomAD compares: South Asian, 0.024%; no homozygotes.

Submissions (6):

GeneDx
Classification: Likely pathogenic. Last evaluated: 2026-09-30. Review status: criteria provided, single submitter. Criteria: GeneDx Variant Classification Process June 2021. Collection method: clinical testing. Allele origin: germline.
Comment: Alters the last nucleotide of the exon and is predicted to destroy the splice donor site and result in aberrant splicing, although in the absence of functional evidence the actual effect of this sequence change is unknown; Has not been previously published as pathogenic or benign to our knowledge; This variant is associated with the following publications: (PMID: 29626607, 11196457, 26956189, 27928728, 29858860)

Labcorp Genetics (formerly Invitae), Labcorp
Classification: Uncertain significance. Last evaluated: 2024-12-17. Review status: criteria provided, single submitter. Criteria: Invitae Variant Classification Sherloc (09022015). Collection method: clinical testing. Allele origin: germline.
Comment: This sequence change affects codon 318 of the CYP11B2 mRNA. It is a 'silent' change, meaning that it does not change the encoded amino acid sequence of the CYP11B2 protein. This variant also falls at the last nucleotide of exon 5, which is part of the consensus splice site for this exon. This variant is present in population databases (rs760329766, gnomAD 0.03%). This variant has been observed in individuals with Aldosterone deficiency (internal data). ClinVar contains an entry for this variant (Variation ID: 658637). Variants that disrupt the consensus splice site are a relatively common cause of aberrant splicing (PMID: 17576681, 9536098). Algorithms developed to predict the effect of sequence changes on RNA splicing suggest that this variant may disrupt the consensus splice site. In summary, the available evidence is currently insufficient to determine the role of this variant in disease. Therefore, it has been classified as a Variant of Uncertain Significance.

PreventionGenetics, part of Exact Sciences
Classification: Likely pathogenic for CYP11B2-related condition. Last evaluated: 2024-11-07. Review status: criteria provided, single submitter. Criteria: ACMG Guidelines, 2015. Collection method: clinical testing. Allele origin: germline.
Comment: The CYP11B2 c.954G>A variant is not predicted to result in an amino acid change (p.=). This variant is predicted to alter splicing based on available splicing prediction software (SpliceAI, Jaganathan et al. 2019. PubMed ID: 30661751). This variant was reported in homozygous state or together with second CYP11B2 variant in multiple individuals with 11-β hydroxylase deficiency (Kandemir et al. 2016. PubMed ID: 26956189). A different nucleotide substitution resulting in the same amino acid effect (p.Thr318=) has been reported in a patient with congenital adrenal hyperplasia due to 11B-hydroxylase deficiency (Chabre et al. 2000. PubMed ID: 11196457). An alternative variant at the same codon p.Thr318Lys was observed in homozygous state in an individual with 11-β hydroxylase deficiency (Kandemir et al. 2016. PubMed ID: 26956189) and p.Thyr318Met in the homozygous state was seen in an individual with primary hypoaldosteronism and moderate bilateral deafness (Rubio-Cabezas et al 2010. PubMed ID: 20639134). This variant c.954G>A is reported in 0.026% of alleles in individuals of South Asian descent in gnomAD. This variant is interpreted as likely pathogenic.

Fulgent Genetics
Classification: Pathogenic for Corticosterone 18-monooxygenase deficiency; Corticosterone methyloxidase type 2 deficiency. Last evaluated: 2024-03-23. Review status: criteria provided, single submitter. Criteria: ACMG Guidelines, 2015. Collection method: clinical testing. Allele origin: germline.

Blueprint Genetics
Classification: Likely pathogenic for CYP11B2-related disorders. Last evaluated: 2023-12-20. Review status: criteria provided, single submitter. Criteria: ACMG Guidelines, 2015. Collection method: clinical testing. Allele origin: germline. Affected: yes. Observed: 5 variant alleles.

Clinical Biochemistry Laboratory, Health Services Laboratory
Classification: Pathogenic for CYP11B2-related disorder. Last evaluated: 2023-11-20. Review status: criteria provided, single submitter. Criteria: ACMG Guidelines, 2015. Collection method: clinical testing. Allele origin: germline. Affected: yes.
Comment: ACMG:PS3 PM2 PM3 PP4

Literature cited by the submitters: PubMed 17576681 (cited by Labcorp Genetics (formerly Invitae), Labcorp); PubMed 9536098 (cited by Labcorp Genetics (formerly Invitae), Labcorp).

NM_000498.3(CYP11B2):c.954G>A (p.Thr318=)

Genes: CYP11B2 (cytochrome P450 family 11 subfamily B member 2; minus strand), LOC106799834 (CYP11B2 recombination region; plus strand). Cytogenetic location: 8q24.3.
Variant type: single nucleotide variant.
Coding change: c.954G>A on transcript NM_000498.3 (MANE Select); coding-DNA position 954, G replaced by A.
Protein change: p.Thr318=; no amino-acid change (threonine 318 retained).
Molecular consequence: synonymous variant.
Genome position (GRCh38, 1-based): chr8:142,914,264, C>T on the plus strand (G>A on the coding strand, the complement: CYP11B2 is on the minus strand). VCF-style: chr8-142914264-C-T. GRCh37 (hg19) VCF-style: chr8-143995680-C-T.
Identifiers: ClinVar variation 658637 (VCV000658637.10), dbSNP rs760329766, ClinGen allele CA4906031.
Genomic context (GRCh38, chr8:142,914,264, plus strand): 5'-AGTGCCTGGGAGGCAGGCTTGGCATCACCCTCTCTGGGTGGGGCTGGTTGCTGGCCTGAC[C>T]GTGTCCACGCTCCCTGCAGTGAGTTCCATAGAGTTGGCCTTGATGGCTTCTAGTGACAGT-3'
Protein context (NP_000489.3, residues 308-328): SMELTAGSVD[Thr318=]TAFPLLMTLF